The following is an entry in ClinVar:

NM_024537.4(CARS2):c.669G>T (p.Lys223Asn)

Gene: CARS2 (cysteinyl-tRNA synthetase 2, mitochondrial; minus strand). Cytogenetic location: 13q34.
Variant type: single nucleotide variant.
Coding change: c.669G>T on transcript NM_024537.4 (MANE Select); coding-DNA position 669, G replaced by T.
Protein change: p.Lys223Asn; replaces lysine 223 with asparagine.
Molecular consequence: missense variant. On other transcripts: 5 prime UTR variant (1), non-coding transcript variant (2).
Genome position (GRCh38, 1-based): chr13:110,677,090, C>A on the plus strand (G>T on the coding strand, the complement: CARS2 is on the minus strand). VCF-style: chr13-110677090-C-A. GRCh37 (hg19) VCF-style: chr13-111329437-C-A.
Other names: c.-118G>T (NM_001352252.2); c.669G>T, p.Lys223Asn (NM_001352253.3); short protein forms K223N.
Identifiers: ClinVar variation 3647498 (VCV003647498.2).
Genomic context (GRCh38, chr13:110,677,090, plus strand): 5'-GGCCCAGAACACCTCCTGGGGTTTGGCCGCCTTCCACAGGGCGAAGTCACTGGCATGACG[C>A]TTGTCAGAGTCCGCTGCAGATGACAAACGGTACATCAGTGGGAAGAAGCTCAGTCACCCC-3'
Protein context (NP_078813.1, residues 213-233): GPVGEPADSD[Lys223Asn]RHASDFALWK

ClinVar aggregate classification (germline): Uncertain significance (1 of 4 stars; one submission).

Conditions:
Combined oxidative phosphorylation defect type 27. Also called: Combined oxidative phosphorylation deficiency 27. Identifiers: Orphanet 477774, MedGen C5567608, MONDO:0014728, OMIM 616672.

Submission:

Labcorp Genetics (formerly Invitae), Labcorp
Classification: Uncertain significance for Combined oxidative phosphorylation defect type 27. Last evaluated: 2024-03-24. Review status: criteria provided, single submitter. Criteria: Invitae Variant Classification Sherloc (09022015). Collection method: clinical testing. Allele origin: germline.
Comment: This sequence change replaces lysine, which is basic and polar, with asparagine, which is neutral and polar, at codon 223 of the CARS2 protein (p.Lys223Asn). This variant is not present in population databases (gnomAD no frequency). This variant has not been reported in the literature in individuals affected with CARS2-related conditions. Advanced modeling of protein sequence and biophysical properties (such as structural, functional, and spatial information, amino acid conservation, physicochemical variation, residue mobility, and thermodynamic stability) performed at Invitae indicates that this missense variant is expected to disrupt CARS2 protein function with a positive predictive value of 80%. In summary, the available evidence is currently insufficient to determine the role of this variant in disease. Therefore, it has been classified as a Variant of Uncertain Significance.